The following is an entry in ClinVar:

ClinVar aggregate classification (germline): Uncertain significance (1 of 4 stars; one submission).

Conditions:
Cardiovascular phenotype. Identifiers: MedGen CN230736.

Allele frequency attached by ClinVar (database versions not stated): TOPMed below 0.00001.

Submission:

Ambry Genetics
Classification: Uncertain significance for Cardiovascular phenotype. Last evaluated: 2024-02-01. Review status: criteria provided, single submitter. Criteria: Ambry Variant Classification Scheme 2023. Collection method: clinical testing. Allele origin: germline.
Comment: The p.Q1853E variant (also known as c.5557C>G), located in coding exon 14 of the ALPK3 gene, results from a C to G substitution at nucleotide position 5557. The glutamine at codon 1853 is replaced by glutamic acid, an amino acid with highly similar properties. This amino acid position is conserved. In addition, this alteration is predicted to be tolerated by in silico analysis. Based on the available evidence, the clinical significance of this alteration remains unclear.

NM_020778.5(ALPK3):c.4951C>G (p.Gln1651Glu)

Gene: ALPK3 (alpha kinase 3; plus strand). Cytogenetic location: 15q25.3.
Variant type: single nucleotide variant.
Coding change: c.4951C>G on transcript NM_020778.5 (MANE Select); coding-DNA position 4951, C replaced by G.
Protein change: p.Gln1651Glu; replaces glutamine 1651 with glutamic acid.
Molecular consequence: missense variant.
Genome position (GRCh38, 1-based): chr15:84,868,289, C>G. VCF-style: chr15-84868289-C-G. GRCh37 (hg19) VCF-style: chr15-85411520-C-G.
Other names: short protein forms Q1651E.
Identifiers: ClinVar variation 3227488 (VCV003227488.1), dbSNP rs1212404418, ClinGen allele CA393365992.